The following is an entry in ClinVar:

ClinVar aggregate classification (germline): Uncertain significance (1 of 4 stars; one submission).

Submission:

GeneDx
Classification: Uncertain significance. Last evaluated: 2026-04-24. Review status: criteria provided, single submitter. Criteria: GeneDx Variant Classification Process June 2021. Collection method: clinical testing. Allele origin: germline.
Comment: Not observed at significant frequency in large population cohorts (gnomAD); In silico analysis supports that this missense variant has a deleterious effect on protein structure/function; Has not been previously published as pathogenic or benign to our knowledge

NM_052867.4(NALCN):c.1520G>A (p.Gly507Glu)

Gene: NALCN (sodium leak channel, non-selective; minus strand). Cytogenetic location: 13q33.1.
Variant type: single nucleotide variant.
Coding change: c.1520G>A on transcript NM_052867.4 (MANE Select); coding-DNA position 1520, G replaced by A.
Protein change: p.Gly507Glu; replaces glycine 507 with glutamic acid.
Molecular consequence: missense variant.
Genome position (GRCh38, 1-based): chr13:101,229,499, C>T on the plus strand (G>A on the coding strand, the complement: NALCN is on the minus strand). VCF-style: chr13-101229499-C-T. GRCh37 (hg19) VCF-style: chr13-101881850-C-T.
Other names: c.1520G>A, p.Gly507Glu (NM_001350748.2, NM_001350749.2); c.1433G>A, p.Gly478Glu (NM_001350750.2, NM_001350751.2); short protein forms G478E, G507E.
Identifiers: ClinVar variation 5037495 (VCV005037495.1).